The following is an entry in ClinVar:

ClinVar aggregate classification (germline): Uncertain significance. Review status: criteria provided, multiple submitters, no conflicts (2 of 4 stars). 2 submissions from 2 submitters: Uncertain significance (2). Last evaluated 2021-12-17.

Conditions:
Inborn genetic diseases. Identifiers: MedGen C0950123, MeSH D030342.

Allele frequency attached by ClinVar (database versions not stated): 1000 Genomes Project 30x 0.00016; 1000 Genomes Project 0.00020; ESP Exome Variant Server 0.00031.
gnomAD v4.1: 59 of 1,607,800 alleles (0.0037%); highest among the groups gnomAD compares: African/African-American, 0.061%; no homozygotes.

Submissions (2):

Labcorp Genetics (formerly Invitae), Labcorp
Classification: Uncertain significance. Last evaluated: 2021-12-17. Review status: criteria provided, single submitter. Criteria: Invitae Variant Classification Sherloc (09022015). Collection method: clinical testing. Allele origin: germline.
Comment: This sequence change replaces alanine, which is neutral and non-polar, with valine, which is neutral and non-polar, at codon 148 of the EXOSC9 protein (p.Ala148Val). This variant is present in population databases (rs185679895, gnomAD 0.07%). This variant has not been reported in the literature in individuals affected with EXOSC9-related conditions. Algorithms developed to predict the effect of missense changes on protein structure and function are either unavailable or do not agree on the potential impact of this missense change (SIFT: "Deleterious"; PolyPhen-2: "Benign"; Align-GVGD: "Class C55"). In summary, the available evidence is currently insufficient to determine the role of this variant in disease. Therefore, it has been classified as a Variant of Uncertain Significance.

Ambry Genetics
Classification: Uncertain significance for Inborn genetic diseases. Last evaluated: 2021-06-30. Review status: criteria provided, single submitter. Criteria: Ambry Variant Classification Scheme 2023. Collection method: clinical testing. Allele origin: germline.

NM_005033.3(EXOSC9):c.443C>T (p.Ala148Val)

Gene: EXOSC9 (exosome component 9; plus strand). Cytogenetic location: 4q27.
Variant type: single nucleotide variant.
Coding change: c.443C>T on transcript NM_005033.3 (MANE Select); coding-DNA position 443, C replaced by T.
Protein change: p.Ala148Val; replaces alanine 148 with valine.
Molecular consequence: missense variant.
Genome position (GRCh38, 1-based): chr4:121,804,680, C>T. VCF-style: chr4-121804680-C-T. GRCh37 (hg19) VCF-style: chr4-122725835-C-T.
Other names: c.443C>T, p.Ala148Val (NM_001034194.2); c.443C>T (NM_001034194.1); short protein forms A148V.
Identifiers: ClinVar variation 1430244 (VCV001430244.5), dbSNP rs185679895, ClinGen allele CA3063401.
Genomic context (GRCh38, chr4:121,804,680, plus strand): 5'-AGGTTTGGCAAATACGTGTAGACCTACATTTATTAAATCATGATGGAAATATTATTGATG[C>T]TGCCAGCATTGCTGCAATCGTGGCCTTATGTCATTTCCGAAGACCTGATGTCTCTGTCCA-3'
Protein context (NP_005024.2, residues 138-158): LLNHDGNIID[Ala148Val]ASIAAIVALC